The following is an entry in ClinVar:

ClinVar aggregate classification (germline): Uncertain significance (1 of 4 stars; one submission).

Conditions:
Combined immunodeficiency due to STIM1 deficiency. Also called: STIM1 DEFICIENCY; IMMUNODEFICIENCY 10. Identifiers: Orphanet 169090, Orphanet 317430, MedGen C2748557, MONDO:0013008, OMIM 612783.
Myopathy with tubular aggregates (TAM). Also called: Tubular Aggregate Myopathy. Identifiers: Orphanet 2593, MedGen C0410207, MONDO:0008051.
Stormorken syndrome (STRMK). Also called: THROMBOCYTOPATHY, ASPLENIA, AND MIOSIS. Identifiers: Orphanet 3204, MedGen C1861451, MONDO:0008497, OMIM 185070.

Submission:

Labcorp Genetics (formerly Invitae), Labcorp
Classification: Uncertain significance for Myopathy with tubular aggregates; Combined immunodeficiency due to STIM1 deficiency; Stormorken syndrome. Last evaluated: 2021-01-29. Review status: criteria provided, single submitter. Criteria: Invitae Variant Classification Sherloc (09022015). Collection method: clinical testing. Allele origin: germline.
Comment: This variant has not been reported in the literature in individuals with STIM1-related conditions. This variant is not present in population databases (ExAC no frequency). This variant, c.2041_2043del, results in the deletion of 1 amino acid(s) of the STIM1 protein (p.Lys681del), but otherwise preserves the integrity of the reading frame. In summary, the available evidence is currently insufficient to determine the role of this variant in disease. Therefore, it has been classified as a Variant of Uncertain Significance. Experimental studies and prediction algorithms are not available or were not evaluated, and the functional significance of this variant is currently unknown.

NM_001382567.1(STIM1):c.2131AAG[1] (p.Lys712del)

Gene: STIM1 (stromal interaction molecule 1; plus strand). Cytogenetic location: 11p15.4.
Variant type: Microsatellite.
Coding change: c.2131AAG[1] on transcript NM_001382567.1 (MANE Select); one copy of the 3-base unit AAG starting at c.2131; the reference has two copies in a row; one copy, 3 bases deleted.
Protein change: p.Lys712del; deletes lysine 712.
Molecular consequence: inframe deletion. On other transcripts: 3 prime UTR variant (4), non-coding transcript variant (3).
Genome position (GRCh38, 1-based): chr11:4,091,781-4,091,783, AAG deleted; deleting any 3 consecutive bases within chr11:4,091,778-4,091,783 gives the same sequence; the position shown is the placement nearest the transcript's 3' end. VCF-style (leftmost placement, unchanged base first): chr11-4091777-TAAG-T. GRCh37 (hg19) VCF-style: chr11-4113007-TAAG-T.
Other names: c.2356AAG[1], p.Lys787del (NM_001277961.3); c.*452AAG[1] (NM_001277962.2, NM_001382578.1, NM_001382579.1 and 1 more transcripts); c.2134AAG[1], p.Lys713del (NM_001382566.1); c.2059AAG[1], p.Lys688del (NM_001382568.1); c.1903AAG[1], p.Lys636del (NM_001382569.1); c.1810AAG[1], p.Lys605del (NM_001382570.1); c.1558AAG[1], p.Lys521del (NM_001382571.1); c.1816AAG[1], p.Lys607del (NM_001382575.1, NM_001382576.1, NM_001382577.1); and 2 more; short protein forms K521del, K605del, K636del, K681del, K688del, K713del, K518del, K712del.
Identifiers: ClinVar variation 1401627 (VCV001401627.8), dbSNP rs2094526893, ClinGen allele CA934571415.